The following is an entry in ClinVar:

ClinVar aggregate classification (germline): Likely pathogenic (1 of 4 stars; one submission).

Conditions:
Biotinidase deficiency. Also called: BTD deficiency; Late-onset biotin-responsive multiple carboxylase deficiency; Biotin deficiency. Identifiers: Orphanet 79241, MedGen C0220754, MONDO:0009665, OMIM 253260.

Submission:

Women's Health and Genetics/Laboratory Corporation of America, LabCorp
Classification: Likely pathogenic for Biotinidase deficiency. Last evaluated: 2022-11-03. Review status: criteria provided, single submitter. Criteria: LabCorp Variant Classification Summary - May 2015. Collection method: clinical testing. Allele origin: germline.
Comment: Variant summary: BTD c.270delT (p.Pro91GlnfsX48) results in a premature termination codon, predicted to cause a truncation of the encoded protein or absence of the protein due to nonsense mediated decay, which are commonly known mechanisms for disease. Truncations downstream of this position have been classified as pathogenic within ClinVar (e.g. c.527del [p.Thr176fs], c.873del [p.Ser291fs]). The variant was absent in 250190 control chromosomes (gnomAD). To our knowledge, no occurrence of c.270delT in individuals affected with Biotinidase Deficiency and no experimental evidence demonstrating its impact on protein function have been reported. No clinical diagnostic laboratories have submitted clinical-significance assessments for this variant to ClinVar after 2014. Based on the evidence outlined above, the variant was classified as likely pathogenic.

NM_001370658.1(BTD):c.270del (p.Pro91fs)

Gene: BTD (biotinidase; plus strand). Cytogenetic location: 3p25.1.
Variant type: Deletion.
Coding change: c.270del on transcript NM_001370658.1 (MANE Select); coding-DNA position 270, one base deleted (T; older notation c.270delT).
Protein change: p.Pro91fs; shifts the reading frame from proline 91.
Molecular consequence: frameshift variant.
Genome position (GRCh38, 1-based): chr3:15,641,928, T deleted; the last of 3 consecutive T bases (chr3:15,641,926-15,641,928); deleting any one gives the same sequence. VCF-style (leftmost placement, unchanged base first): chr3-15641925-GT-G. GRCh37 (hg19) VCF-style: chr3-15683432-GT-G.
Other names: c.330delT, p.Pro111Glnfs (NM_000060.4); c.270delT, p.Pro91Glnfs (NM_001281723.4, NM_001281725.3, NM_001281726.3 and 33 more transcripts); c.270del, p.Pro91fs (NM_001281724.3, NM_001370752.1, NM_001370753.1); c.333delT, p.Pro112Glnfs (NM_001407381.1); c.270delT (NM_001370658.1); short protein forms P91fs.
Identifiers: ClinVar variation 1804727 (VCV001804727.1), dbSNP rs2065521315, ClinGen allele CA2580068510.